The following is an entry in ClinVar:

NM_001018115.3(FANCD2):c.2587A>G (p.Arg863Gly)

Genes: FANCD2 (FA complementation group D2; plus strand), LOC107303338 (3p25 FANCD2 Alu-mediated recombination region; plus strand). Cytogenetic location: 3p25.3.
Variant type: single nucleotide variant.
Coding change: c.2587A>G on transcript NM_001018115.3 (MANE Select); coding-DNA position 2587, A replaced by G.
Protein change: p.Arg863Gly; replaces arginine 863 with glycine.
Molecular consequence: missense variant.
Genome position (GRCh38, 1-based): chr3:10,072,963, A>G. VCF-style: chr3-10072963-A-G. GRCh37 (hg19) VCF-style: chr3-10114647-A-G.
Other names: c.2587A>G, p.Arg863Gly (NM_001319984.2, NM_001374254.1, NM_033084.6); c.2476A>G, p.Arg826Gly (NM_001374253.1); short protein forms R826G, R863G.
Identifiers: ClinVar variation 3602662 (VCV003602662.1).
Genomic context (GRCh38, chr3:10,072,963, plus strand): 5'-TTTGATGTGGAAACTTTAGATATAACACCTCATACTGTTACTGCTATTTCAGCAAAAATC[A>G]GAAAGAAAGGAAAAATAGGTAAGTATGTTCTTTTCCTCTTGTCTTGTGTCTCTAAATAAG-3'
Protein context (NP_001018125.1, residues 853-873): HTVTAISAKI[Arg863Gly]KKGKIERKQK

ClinVar aggregate classification (germline): Uncertain significance (1 of 4 stars; one submission).

Conditions:
Fanconi anemia complementation group D2. Also called: FANCD2-Related Fanconi Anemia; FANCONI PANCYTOPENIA, TYPE 4; FANCONI ANEMIA, COMPLEMENTATION GROUP D. Identifiers: Orphanet 84, MedGen C3160738, MONDO:0009214, OMIM 227646.

Submission:

St. Jude Molecular Pathology, St. Jude Children's Research Hospital
Classification: Uncertain significance for Fanconi anemia complementation group D2. Last evaluated: 2024-07-03. Review status: criteria provided, single submitter. Criteria: St. Jude Assertion Criteria 2020. Collection method: clinical testing. Allele origin: germline.
Comment: The FANCD2 c.2587A>G (p.Arg863Gly) missense change is absent in gnomAD v2.1.1. The in silico tool REVEL predicts a benign effect on protein function, but to our knowledge this prediction has not been confirmed by functional studies. To our knowledge, this variant has not been reported in individuals with Fanconi anemia. In summary, the evidence currently available is insufficient to determine the clinical significance of this variant. It has therefore been classified as of uncertain significance.